The following is an entry in ClinVar:

ClinVar aggregate classification (germline): Uncertain significance. Review status: criteria provided, multiple submitters, no conflicts (2 of 4 stars). 2 submissions from 2 submitters: Uncertain significance (2). Last evaluated 2024-02-12.

Allele frequency attached by ClinVar (database versions not stated): gnomAD exomes 0.00002 and 0.00003; ExAC 0.00003; TOPMed 0.00003; gnomAD 0.00004.

Submissions (2):

Ambry Genetics
Classification: Uncertain significance. Last evaluated: 2024-02-12. Review status: criteria provided, single submitter. Criteria: Ambry Variant Classification Scheme 2023. Collection method: clinical testing. Allele origin: germline.

Labcorp Genetics (formerly Invitae), Labcorp
Classification: Uncertain significance. Last evaluated: 2022-08-22. Review status: criteria provided, single submitter. Criteria: Invitae Variant Classification Sherloc (09022015). Collection method: clinical testing. Allele origin: germline.
Comment: This sequence change replaces arginine, which is basic and polar, with glutamine, which is neutral and polar, at codon 699 of the TMEM132E protein (p.Arg699Gln). This variant is present in population databases (rs776685272, gnomAD 0.01%). This variant has not been reported in the literature in individuals affected with TMEM132E-related conditions. ClinVar contains an entry for this variant (Variation ID: 1409797). Algorithms developed to predict the effect of missense changes on protein structure and function are either unavailable or do not agree on the potential impact of this missense change (SIFT: "Tolerated"; PolyPhen-2: "Not Available"; Align-GVGD: "Class C0"). Algorithms developed to predict the effect of sequence changes on RNA splicing suggest that this variant may create or strengthen a splice site. In summary, the available evidence is currently insufficient to determine the role of this variant in disease. Therefore, it has been classified as a Variant of Uncertain Significance.

NM_001304438.2(TMEM132E):c.2096G>A (p.Arg699Gln)

Gene: TMEM132E (transmembrane protein 132E; plus strand). Cytogenetic location: 17q12.
Variant type: single nucleotide variant.
Coding change: c.2096G>A on transcript NM_001304438.2 (MANE Select); coding-DNA position 2096, G replaced by A.
Protein change: p.Arg699Gln; replaces arginine 699 with glutamine.
Molecular consequence: missense variant.
Genome position (GRCh38, 1-based): chr17:34,636,125, G>A. VCF-style: chr17-34636125-G-A. GRCh37 (hg19) VCF-style: chr17-32963144-G-A.
Other names: NM_207313.1:c.1826G>A; short protein forms R699Q.
Identifiers: ClinVar variation 1409797 (VCV001409797.4), dbSNP rs776685272, ClinGen allele CA8496891.